The following is an entry in ClinVar:

ClinVar aggregate classification (germline): Uncertain significance (1 of 4 stars; one submission).

Conditions:
Congenital myasthenic syndrome 8. Also called: Myasthenic syndrome, congenital, 8, with pre- and postsynaptic defects; MYASTHENIC SYNDROME, CONGENITAL, DUE TO AGRIN DEFICIENCY. Identifiers: Orphanet 590, MedGen C3808739, MONDO:0014052, OMIM 615120.

Submission:

Labcorp Genetics (formerly Invitae), Labcorp
Classification: Uncertain significance for Congenital myasthenic syndrome 8. Last evaluated: 2024-08-23. Review status: criteria provided, single submitter. Criteria: Invitae Variant Classification Sherloc (09022015). Collection method: clinical testing. Allele origin: germline.
Comment: This sequence change replaces glutamic acid, which is acidic and polar, with aspartic acid, which is acidic and polar, at codon 1853 of the AGRN protein (p.Glu1853Asp). This variant is not present in population databases (gnomAD no frequency). This variant has not been reported in the literature in individuals affected with AGRN-related conditions. An algorithm developed to predict the effect of missense changes on protein structure and function (PolyPhen-2) suggests that this variant is likely to be disruptive. In summary, the available evidence is currently insufficient to determine the role of this variant in disease. Therefore, it has been classified as a Variant of Uncertain Significance.

NM_198576.4(AGRN):c.5559G>C (p.Glu1853Asp)

Gene: AGRN (agrin; plus strand). Cytogenetic location: 1p36.33.
Variant type: single nucleotide variant.
Coding change: c.5559G>C on transcript NM_198576.4 (MANE Select); coding-DNA position 5559, G replaced by C.
Protein change: p.Glu1853Asp; replaces glutamic acid 1853 with aspartic acid.
Molecular consequence: missense variant.
Genome position (GRCh38, 1-based): chr1:1,051,641, G>C. VCF-style: chr1-1051641-G-C. GRCh37 (hg19) VCF-style: chr1-987021-G-C.
Other names: c.5571G>C, p.Glu1857Asp (NM_001305275.2); c.5256G>C, p.Glu1752Asp (NM_001364727.2); short protein forms E1853D, E1752D, E1857D.
Identifiers: ClinVar variation 3660718 (VCV003660718.2).